The following is an entry in ClinVar:

NM_000238.4(KCNH2):c.3460G>T (p.Gly1154Cys)

Gene: KCNH2 (potassium voltage-gated channel subfamily H member 2; minus strand). Cytogenetic location: 7q36.1.
Variant type: single nucleotide variant.
Coding change: c.3460G>T on transcript NM_000238.4 (MANE Select); coding-DNA position 3460, G replaced by T.
Protein change: p.Gly1154Cys; replaces glycine 1154 with cysteine.
Molecular consequence: missense variant. On other transcripts: non-coding transcript variant (2).
Genome position (GRCh38, 1-based): chr7:150,945,385, C>A on the plus strand (G>T on the coding strand, the complement: KCNH2 is on the minus strand). VCF-style: chr7-150945385-C-A. GRCh37 (hg19) VCF-style: chr7-150642473-C-A.
Other names: c.3172G>T, p.Gly1058Cys (NM_001406753.1); c.2440G>T, p.Gly814Cys (NM_172057.3); short protein forms G1058C, G1154C, G814C.
Identifiers: ClinVar variation 2828888 (VCV002828888.3), dbSNP rs199473548, ClinGen allele CA369851374.

ClinVar aggregate classification (germline): Uncertain significance (1 of 4 stars; one submission).

Conditions:
Long QT syndrome (LQTS). Identifiers: MedGen C0023976, MeSH D008133, MONDO:0002442. Disease mechanism: loss of function. Inheritance: Various modes of inheritance.

gnomAD v4.1: 1 of 1,590,846 alleles (0.000063%); highest among the groups gnomAD compares: Non-Finnish European, 0.000086%; no homozygotes.

Submission:

Labcorp Genetics (formerly Invitae), Labcorp
Classification: Uncertain significance for Long QT syndrome. Last evaluated: 2023-03-07. Review status: criteria provided, single submitter. Criteria: Invitae Variant Classification Sherloc (09022015). Collection method: clinical testing. Allele origin: germline.
Comment: This sequence change replaces glycine, which is neutral and non-polar, with cysteine, which is neutral and slightly polar, at codon 1154 of the KCNH2 protein (p.Gly1154Cys). This variant is not present in population databases (gnomAD no frequency). This variant has not been reported in the literature in individuals affected with KCNH2-related conditions. An algorithm developed to predict the effect of missense changes on protein structure and function (PolyPhen-2) suggests that this variant is likely to be tolerated. In summary, the available evidence is currently insufficient to determine the role of this variant in disease. Therefore, it has been classified as a Variant of Uncertain Significance.